The following is an entry in ClinVar:

ClinVar aggregate classification (germline): Likely pathogenic. Review status: criteria provided, multiple submitters, no conflicts (2 of 4 stars). 2 submissions from 2 submitters: Likely pathogenic (2). Last evaluated 2025-11-09.

Conditions:
Cardiovascular phenotype. Identifiers: MedGen CN230736.
Amyloidosis, hereditary systemic 1 (AMYLD1). Also called: Hereditary Transthyretin Amyloidosis; Familial amyloid polyneuropathy; Transthyretin Amyloidosis; Isolated Cardiac Amyloidosis; Amyloid Cardiomyopathy, Transthyretin-related; Hereditary oculoleptomeningeal amyloid angiopathy. Identifiers: Orphanet 85447, Orphanet 85451, MedGen C2751492, MONDO:0971004, OMIM 105210.

Submissions (2):

Labcorp Genetics (formerly Invitae), Labcorp
Classification: Likely pathogenic for Amyloidosis, hereditary systemic 1. Last evaluated: 2025-11-09. Review status: criteria provided, single submitter. Criteria: Invitae Variant Classification Sherloc (09022015). Collection method: clinical testing. Allele origin: germline.
Comment: This sequence change replaces glutamic acid, which is acidic and polar, with aspartic acid, which is acidic and polar, at codon 109 of the TTR protein (p.Glu109Asp). This variant is not present in population databases (gnomAD no frequency). This variant has not been reported in the literature in individuals affected with TTR-related conditions. ClinVar contains an entry for this variant (Variation ID: 3464275). Invitae Evidence Modeling of protein sequence and biophysical properties (such as structural, functional, and spatial information, amino acid conservation, physicochemical variation, residue mobility, and thermodynamic stability) indicates that this missense variant is expected to disrupt TTR protein function with a positive predictive value of 95%. This variant disrupts the p.Glu109 amino acid residue in TTR. Other variant(s) that disrupt this residue have been determined to be pathogenic (PMID: 10842705, 20209591, 25644864, 26428663, 28911993). This suggests that this residue is clinically significant, and that variants that disrupt this residue are likely to be disease-causing. In summary, the currently available evidence indicates that the variant is pathogenic, but additional data are needed to prove that conclusively. Therefore, this variant has been classified as Likely Pathogenic.

Ambry Genetics
Classification: Likely pathogenic for Cardiovascular phenotype. Last evaluated: 2025-11-06. Review status: criteria provided, single submitter. Criteria: Ambry Variant Classification Scheme 2023. Collection method: clinical testing. Allele origin: germline.
Comment: The p.E109D variant (also known as c.327G>C), located in coding exon 3 of the TTR gene, results from a G to C substitution at nucleotide position 327. The glutamic acid at codon 109 is replaced by aspartic acid, an amino acid with highly similar properties. This variant, which is also known as p.E89D, was reported in individual(s) with features consistent with transthyretin (TTR) amyloidosis and related cardiomyopathy (Nomura T et al. Orphanet J Rare Dis, 2025 Sep;20:474; Ambry internal data). Other variant(s) resulting in the same amino acid change (c.327G>T) have been identified in individual(s) with features consistent with TTR amyloidosis and related cardiomyopat hy (Chao HC et al. Ann Clin Transl Neurol, 2019 May;6:913-922; Ambry internal data; external communication). A nother variant at the same codon, p.E109Q (c.325G>C), has been detected as the most common TTR mutation in the Italian population and is associated with a mixed phenotype (Almeida MR et al. Hum Mutat. 1992;1(3):211-5; Coelho T et al. Curr Med Res Opin. 2013;29(1):63-76; Rapezzi C. et al. Eur Heart J. 2013;34(7):520-8, Casta&ntilde;o A, et al. Heart Fail Rev 2015 Mar; 20(2):163-78). This variant is considered to be rare based on population cohorts in the Genome Aggregation Database (gnomAD). This amino acid position is highly conserved in available vertebrate species. In addition, the in silico prediction for this alteration is inconclusive. Based on the majority of available evidence to date, this variant is likely to be pathogenic.

Literature cited by the submitters: PubMed 10842705 (cited by Labcorp Genetics (formerly Invitae), Labcorp); PubMed 20209591 (cited by Labcorp Genetics (formerly Invitae), Labcorp); PubMed 25644864 (cited by Labcorp Genetics (formerly Invitae), Labcorp); PubMed 26428663 (cited by Labcorp Genetics (formerly Invitae), Labcorp); PubMed 28911993 (cited by Labcorp Genetics (formerly Invitae), Labcorp); PubMed 31139689 (cited by Ambry Genetics); PubMed 37768132 (cited by Ambry Genetics); PubMed 40898332 (cited by Ambry Genetics).

NM_000371.4(TTR):c.327G>C (p.Glu109Asp)

Gene: TTR (transthyretin; plus strand). Cytogenetic location: 18q12.1.
Variant type: single nucleotide variant.
Coding change: c.327G>C on transcript NM_000371.4 (MANE Select); coding-DNA position 327, G replaced by C.
Protein change: p.Glu109Asp; replaces glutamic acid 109 with aspartic acid.
Molecular consequence: missense variant.
Genome position (GRCh38, 1-based): chr18:31,595,246, G>C. VCF-style: chr18-31595246-G-C. GRCh37 (hg19) VCF-style: chr18-29175209-G-C.
Other names: short protein forms E109D.
Identifiers: ClinVar variation 3464275 (VCV003464275.3).